The following is an entry in ClinVar:

ClinVar aggregate classification (germline): Uncertain significance (1 of 4 stars; one submission).

Conditions:
Glanzmann thrombasthenia. Also called: Glanzmann's thrombasthenia; BLEEDING DISORDER, PLATELET-TYPE, 2; THROMBASTHENIA OF GLANZMANN AND NAEGELI; Thrombasthenia; PLATELET GLYCOPROTEIN IIb-IIIa DEFICIENCY. Identifiers: Orphanet 849, MedGen C0040015, MONDO:0100326.

gnomAD v4.1: 6 of 1,613,862 alleles (0.00037%); highest among the groups gnomAD compares: Admixed American, 0.0017%; no homozygotes.

Submission:

Labcorp Genetics (formerly Invitae), Labcorp
Classification: Uncertain significance for Glanzmann thrombasthenia. Last evaluated: 2024-05-23. Review status: criteria provided, single submitter. Criteria: Invitae Variant Classification Sherloc (09022015). Collection method: clinical testing. Allele origin: germline.
Comment: This sequence change replaces valine, which is neutral and non-polar, with methionine, which is neutral and non-polar, at codon 715 of the ITGA2B protein (p.Val715Met). This variant is not present in population databases (gnomAD no frequency). This variant has not been reported in the literature in individuals affected with ITGA2B-related conditions. Advanced modeling of protein sequence and biophysical properties (such as structural, functional, and spatial information, amino acid conservation, physicochemical variation, residue mobility, and thermodynamic stability) performed at Invitae indicates that this missense variant is not expected to disrupt ITGA2B protein function with a negative predictive value of 80%. In summary, the available evidence is currently insufficient to determine the role of this variant in disease. Therefore, it has been classified as a Variant of Uncertain Significance.

NM_000419.5(ITGA2B):c.2143G>A (p.Val715Met)

Gene: ITGA2B (integrin subunit alpha 2b; minus strand). Cytogenetic location: 17q21.31.
Variant type: single nucleotide variant.
Coding change: c.2143G>A on transcript NM_000419.5 (MANE Select); coding-DNA position 2143, G replaced by A.
Protein change: p.Val715Met; replaces valine 715 with methionine.
Molecular consequence: missense variant.
Genome position (GRCh38, 1-based): chr17:44,377,742, C>T on the plus strand (G>A on the coding strand, the complement: ITGA2B is on the minus strand). VCF-style: chr17-44377742-C-T. GRCh37 (hg19) VCF-style: chr17-42455110-C-T.
Other names: short protein forms V715M.
Identifiers: ClinVar variation 3709809 (VCV003709809.2).